The following is an entry in ClinVar:

ClinVar aggregate classification (germline): Uncertain significance (1 of 4 stars; one submission).

Conditions:
Cardiovascular phenotype. Identifiers: MedGen CN230736.

Submission:

Ambry Genetics
Classification: Uncertain significance for Cardiovascular phenotype. Last evaluated: 2025-06-22. Review status: criteria provided, single submitter. Criteria: Ambry Variant Classification Scheme 2023. Collection method: clinical testing. Allele origin: germline.
Comment: The p.D117A variant (also known as c.350A>C), located in coding exon 5 of the MYL2 gene, results from an A to C substitution at nucleotide position 350. The aspartic acid at codon 117 is replaced by alanine, an amino acid with dissimilar properties. This amino acid position is conserved. In addition, this alteration is predicted to be tolerated by in silico analysis. Based on the available evidence, the clinical significance of this variant remains unclear.

NM_000432.4(MYL2):c.350A>C (p.Asp117Ala)

Gene: MYL2 (myosin light chain 2; minus strand). Cytogenetic location: 12q24.11.
Variant type: single nucleotide variant.
Coding change: c.350A>C on transcript NM_000432.4 (MANE Select); coding-DNA position 350, A replaced by C.
Protein change: p.Asp117Ala; replaces aspartic acid 117 with alanine.
Molecular consequence: missense variant.
Genome position (GRCh38, 1-based): chr12:110,913,249, T>G on the plus strand (A>C on the coding strand, the complement: MYL2 is on the minus strand). VCF-style: chr12-110913249-T-G. GRCh37 (hg19) VCF-style: chr12-111351053-T-G.
Other names: c.308A>C, p.Asp103Ala (NM_001406745.1); c.293A>C, p.Asp98Ala (NM_001406916.1); short protein forms D103A, D117A, D98A.
Identifiers: ClinVar variation 4115003 (VCV004115003.1).